The following is an entry in ClinVar:

ClinVar aggregate classification (germline): Likely benign (1 of 4 stars; one submission).

Conditions:
Hereditary cancer-predisposing syndrome. Also called: Tumor predisposition; Hereditary Cancer Syndrome; Hereditary neoplastic syndrome; Neoplastic Syndromes, Hereditary. Identifiers: Orphanet 140162, MedGen C0027672, MeSH D009386, MONDO:0015356.

Submissions (2):

Color Diagnostics, LLC DBA Color Health
Classification: Likely benign for Hereditary cancer-predisposing syndrome. Last evaluated: 2016-02-23. Review status: criteria provided, single submitter. Criteria: ACMG Guidelines, 2015. Collection method: clinical testing. Allele origin: germline.

Brotman Baty Institute, University of Washington
No classification provided (evidence only). Condition: Breast-ovarian cancer, familial 1. Review status: no classification provided. Collection method: in vitro. Allele origin: not applicable. Functional consequence: functionally_normal. Not counted in ClinVar's aggregate classification.
ClinVar note: "not provided" was previously submitted as the classification for the variant. However, the classification appeared to be based only on an observation of functional data so it was converted to no classification on 2025-07-30.

NM_007294.4(BRCA1):c.102T>G (p.Pro34=)

Gene: BRCA1 (BRCA1 DNA repair associated; minus strand). Cytogenetic location: 17q21.31.
Variant type: single nucleotide variant.
Coding change: c.102T>G on transcript NM_007294.4 (MANE Select); coding-DNA position 102, T replaced by G.
Protein change: p.Pro34=; no amino-acid change (proline 34 retained).
Molecular consequence: synonymous variant. On other transcripts: intron variant (41), 5 prime UTR variant (132).
Genome position (GRCh38, 1-based): chr17:43,115,758, A>C on the plus strand (T>G on the coding strand, the complement: BRCA1 is on the minus strand). VCF-style: chr17-43115758-A-C. GRCh37 (hg19) VCF-style: chr17-41267775-A-C.
Other names: c.-55+8259T>G (NM_001407902.1, NM_001407898.1, NM_001407881.1); c.-87T>G (NM_001407571.1, NM_001407853.1, NM_001407879.1 and 52 more transcripts); c.102T>G, p.Pro34= (NM_001407581.1, NM_001407582.1, NM_001407583.1 and 192 more transcripts); c.-156T>G (NM_001407694.1, NM_001407696.1, NM_001407724.1 and 13 more transcripts); c.-160T>G (NM_001407695.1, NM_001408465.1); c.-40T>G (NM_001407697.1, NM_001407725.1, NM_001407728.1 and 47 more transcripts); c.-36T>G (NM_001407841.1); c.-203T>G (NM_001407889.1, NM_001407900.1, NM_001408492.1); and 10 more.
Identifiers: ClinVar variation 491025 (VCV000491025.6), dbSNP rs1555599260, ClinGen allele CA500130050.